The following is an entry in ClinVar:

ClinVar aggregate classification (germline): Likely benign. Review status: criteria provided, multiple submitters, no conflicts (2 of 4 stars). 2 submissions from 2 submitters: Likely benign (2). Last evaluated 2025-12-03.

Conditions:
Joubert syndrome. Also called: JOUBERT-BOLTSHAUSER SYNDROME; Familial aplasia of the vermis. Identifiers: Orphanet 475, MedGen C5979921, MONDO:0018772.
Meckel-Gruber syndrome. Also called: GRUBER SYNDROME; DYSENCEPHALIA SPLANCHNOCYSTICA; Dysencephalia splachnocystica. Identifiers: Orphanet 564, MedGen C0265215, MONDO:0018921.
MKS1-related disorder. Also called: MKS1-related disorders; MKS1-related condition. Identifiers: MedGen CN239382.

Allele frequency attached by ClinVar (database versions not stated): gnomAD 0.00001; TOPMed 0.00001.
gnomAD v4.1: 4 of 1,610,830 alleles (0.00025%); highest among the groups gnomAD compares: Middle Eastern, 0.033%; no homozygotes.

Submissions (2):

PreventionGenetics, part of Exact Sciences
Classification: Likely benign for MKS1-related condition. Last evaluated: 2025-12-03. Review status: criteria provided, single submitter. Criteria: ACMG Guidelines, 2015. Collection method: clinical testing. Allele origin: germline.
Comment: This variant is classified as likely benign based on ACMG/AMP sequence variant interpretation guidelines (Richards et al. 2015 PMID: 25741868, with internal and published modifications).

Labcorp Genetics (formerly Invitae), Labcorp
Classification: Likely benign for Joubert syndrome; Meckel-Gruber syndrome. Last evaluated: 2021-08-26. Review status: criteria provided, single submitter. Criteria: Invitae Variant Classification Sherloc (09022015). Collection method: clinical testing. Allele origin: germline.

NM_017777.4(MKS1):c.262-10G>T

Gene: MKS1 (MKS transition zone complex subunit 1; minus strand). Cytogenetic location: 17q22.
Variant type: single nucleotide variant.
Coding change: c.262-10G>T on transcript NM_017777.4 (MANE Select); 10 bases into the intron before coding-DNA position 262, G replaced by T.
Molecular consequence: intron variant.
Genome position (GRCh38, 1-based): chr17:58,216,253, C>A on the plus strand (G>T on the coding strand, the complement: MKS1 is on the minus strand). VCF-style: chr17-58216253-C-A. GRCh37 (hg19) VCF-style: chr17-56293614-C-A.
Other names: c.-250-10G>T (NM_001321268.2); c.262-10G>T (NM_001330397.2, NM_001321269.2, NM_017777.3).
Identifiers: ClinVar variation 1673214 (VCV001673214.9), dbSNP rs772852025, ClinGen allele CA773500260.